The following is an entry in ClinVar:

NM_003047.5(SLC9A1):c.1821G>A (p.Gln607=)

Gene: SLC9A1 (solute carrier family 9 member A1; minus strand). Cytogenetic location: 1p36.11.
Variant type: single nucleotide variant.
Coding change: c.1821G>A on transcript NM_003047.5 (MANE Select); coding-DNA position 1821, G replaced by A.
Protein change: p.Gln607=; no amino-acid change (glutamine 607 retained).
Molecular consequence: synonymous variant. On other transcripts: non-coding transcript variant (1).
Genome position (GRCh38, 1-based): chr1:27,102,130, C>T on the plus strand (G>A on the coding strand, the complement: SLC9A1 is on the minus strand). VCF-style: chr1-27102130-C-T. GRCh37 (hg19) VCF-style: chr1-27428621-C-T.
Identifiers: ClinVar variation 713880 (VCV000713880.25), dbSNP rs139314838, ClinGen allele CA710970.
Genomic context (GRCh38, chr1:27,102,130, plus strand): 5'-CTTGTCCTTGGACAGTGCTGGCAGGATGCGCTCGGAAGGCAGGGACTTGGGGTGGATGTT[C>T]CTGGGGCAATAGGGCATCGGTTAGGTCCCCAAGATTCTTGGGATCCTGGTGCCTCCCAGG-3'
Protein context (NP_003038.2, residues 597-617): IPSAVSTVSM[Gln607=]NIHPKSLPSE

ClinVar aggregate classification (germline): Benign/Likely benign. Review status: criteria provided, multiple submitters, no conflicts (2 of 4 stars). 5 submissions from 5 submitters: Benign (1); Likely benign (2). 2 of the submissions do not count toward it. Last evaluated 2026-01-26.

Conditions:
Lichtenstein-Knorr syndrome (LIKNS). Also called: SPINOCEREBELLAR ATAXIA, AUTOSOMAL RECESSIVE 19. Identifiers: Orphanet 448251, MedGen C4225383, MONDO:0014572, OMIM 616291.

Allele frequency attached by ClinVar (database versions not stated): gnomAD exomes 0.00044 and 0.00158; ESP Exome Variant Server 0.00054; gnomAD 0.00095 and 0.00137; TOPMed 0.00098; ExAC 0.00157; 1000 Genomes Project 30x 0.00750; 1000 Genomes Project 0.00819.
gnomAD v4.1: 991 of 1,611,814 alleles (0.061%); highest among the groups gnomAD compares: East Asian, 0.81%; 23 homozygotes.

Submissions (5):

Labcorp Genetics (formerly Invitae), Labcorp
Classification: Benign. Last evaluated: 2026-01-26. Review status: criteria provided, single submitter. Criteria: Invitae Variant Classification Sherloc (09022015). Collection method: clinical testing. Allele origin: germline.

CeGaT Center for Human Genetics Tuebingen
Classification: Likely benign. Last evaluated: 2025-02-01. Review status: criteria provided, single submitter. Criteria: CeGaT Center For Human Genetics Tuebingen Variant Classification Criteria Version 2. Collection method: clinical testing. Allele origin: germline. Affected: yes. Observed: 1 variant allele.
Comment: SLC9A1: BP4, BS2

Fulgent Genetics
Classification: Likely benign for Lichtenstein-Knorr syndrome. Last evaluated: 2021-09-29. Review status: criteria provided, single submitter. Criteria: ACMG Guidelines, 2015. Collection method: clinical testing. Allele origin: unknown.

Clinical Genetics DNA and cytogenetics Diagnostics Lab, Erasmus MC, Erasmus Medical Center
Classification: Benign. Review status: no assertion criteria provided. Collection method: clinical testing. Allele origin: germline. Affected: yes. Study: VKGL Data-share Consensus. Not counted in ClinVar's aggregate classification.

Genome Diagnostics Laboratory, University Medical Center Utrecht
Classification: Likely benign. Review status: no assertion criteria provided. Collection method: clinical testing. Allele origin: germline. Affected: yes. Study: VKGL Data-share Consensus. Not counted in ClinVar's aggregate classification.